The following is an entry in ClinVar:

ClinVar aggregate classification (germline): Pathogenic (1 of 4 stars; one submission).

Conditions:
Microcephaly, normal intelligence and immunodeficiency (NBS). Also called: Immunodeficiency, microcephaly with normal intelligence; SEEMANOVA SYNDROME II; Nijmegen breakage syndrome; Microcephaly with normal intelligence immunodeficiency and lymphoreticular malignancies; Nonsyndromal microcephaly autosomal recessive with normal intelligence; Seemanova syndrome 2. Identifiers: Orphanet 647, MedGen C0398791, MONDO:0009623, OMIM 251260.

Submission:

Labcorp Genetics (formerly Invitae), Labcorp
Classification: Pathogenic for Microcephaly, normal intelligence and immunodeficiency. Last evaluated: 2024-03-06. Review status: criteria provided, single submitter. Criteria: Invitae Variant Classification Sherloc (09022015). Collection method: clinical testing. Allele origin: germline.
Comment: This sequence change creates a premature translational stop signal (p.Val151Serfs*5) in the NBN gene. It is expected to result in an absent or disrupted protein product. Loss-of-function variants in NBN are known to be pathogenic (PMID: 9590180, 16415040). This variant is not present in population databases (gnomAD no frequency). This variant has not been reported in the literature in individuals affected with NBN-related conditions. ClinVar contains an entry for this variant (Variation ID: 631145). Algorithms developed to predict the effect of sequence changes on RNA splicing suggest that this variant may disrupt the consensus splice site. For these reasons, this variant has been classified as Pathogenic.

Literature cited by the submitters: PubMed 9590180; PubMed 16415040.

NM_002485.5(NBN):c.448del (p.Val151fs)

Gene: NBN (nibrin; minus strand). Cytogenetic location: 8q21.3.
Variant type: Deletion.
Coding change: c.448del on transcript NM_002485.5 (MANE Select); coding-DNA position 448, one base deleted (C; older notation c.448delC).
Protein change: p.Val151fs; shifts the reading frame from valine 151.
Molecular consequence: frameshift variant.
Genome position (GRCh38, 1-based): chr8:89,980,766, G deleted on the plus strand (C on the coding strand, the reverse complement: NBN is on the minus strand); the first of 2 consecutive G bases (chr8:89,980,766-89,980,767); deleting either gives the same sequence. VCF-style (leftmost placement, unchanged base first): chr8-89980765-AG-A. GRCh37 (hg19) VCF-style: chr8-90992993-AG-A.
Other names: c.448delC (NM_002485.4); c.202del, p.Val69fs (NM_001024688.3); short protein forms V151fs, V69fs.
Identifiers: ClinVar variation 631145 (VCV000631145.8), dbSNP rs1563578727, ClinGen allele CA913187620.